The following is an entry in ClinVar:

NM_001163435.3(TBCK):c.329A>G (p.His110Arg)

Gene: TBCK (TBC1 domain containing kinase; minus strand). Cytogenetic location: 4q24.
Variant type: single nucleotide variant.
Coding change: c.329A>G on transcript NM_001163435.3 (MANE Select); coding-DNA position 329, A replaced by G.
Protein change: p.His110Arg; replaces histidine 110 with arginine.
Molecular consequence: missense variant. On other transcripts: 5 prime UTR variant (1), intron variant (1).
Genome position (GRCh38, 1-based): chr4:106,262,150, T>C on the plus strand (A>G on the coding strand, the complement: TBCK is on the minus strand). VCF-style: chr4-106262150-T-C. GRCh37 (hg19) VCF-style: chr4-107183307-T-C.
Other names: c.329A>G, p.His110Arg (NM_001163436.4, NM_001163437.3); c.-289A>G (NM_001290768.2); c.267-10143A>G (NM_033115.5); short protein forms H110R.
Identifiers: ClinVar variation 1519316 (VCV001519316.7), dbSNP rs1762568272, ClinGen allele CA357970386.

ClinVar aggregate classification (germline): Uncertain significance (1 of 4 stars; one submission).

Allele frequency attached by ClinVar (database versions not stated): gnomAD exomes below 0.00001; TOPMed below 0.00001.
gnomAD v4.1: 3 of 1,548,928 alleles (0.00019%); highest among the groups gnomAD compares: Non-Finnish European, 0.00026%; no homozygotes.

Submission:

Labcorp Genetics (formerly Invitae), Labcorp
Classification: Uncertain significance. Last evaluated: 2024-02-16. Review status: criteria provided, single submitter. Criteria: Invitae Variant Classification Sherloc (09022015). Collection method: clinical testing. Allele origin: germline.
Comment: This sequence change replaces histidine, which is basic and polar, with arginine, which is basic and polar, at codon 110 of the TBCK protein (p.His110Arg). This variant is not present in population databases (gnomAD no frequency). This variant has not been reported in the literature in individuals affected with TBCK-related conditions. ClinVar contains an entry for this variant (Variation ID: 1519316). Advanced modeling of protein sequence and biophysical properties (such as structural, functional, and spatial information, amino acid conservation, physicochemical variation, residue mobility, and thermodynamic stability) performed at Invitae indicates that this missense variant is not expected to disrupt TBCK protein function with a negative predictive value of 80%. In summary, the available evidence is currently insufficient to determine the role of this variant in disease. Therefore, it has been classified as a Variant of Uncertain Significance.